The following is an entry in ClinVar:

ClinVar aggregate classification (germline): Benign. Review status: criteria provided, multiple submitters, no conflicts (2 of 4 stars). 3 submissions from 3 submitters: Benign (2). 1 of the submissions does not count toward it. Last evaluated 2017-08-29.

Conditions:
PTPRT-related disorder. Also called: PTPRT-related condition.

Allele frequency attached by ClinVar (database versions not stated): gnomAD 0.00804 and 0.00801; TOPMed 0.00817; gnomAD exomes 0.00857 and 0.00961; ExAC 0.00858; 1000 Genomes Project 30x 0.00453; 1000 Genomes Project 0.00479; ESP Exome Variant Server 0.00859.
gnomAD v4.1: 15,304 of 1,614,202 alleles (0.95%); highest among the groups gnomAD compares: Middle Eastern, 1.8%; 107 homozygotes.

Submissions (3):

Labcorp Genetics (formerly Invitae), Labcorp
Classification: Benign. Last evaluated: 2017-08-29. Review status: criteria provided, single submitter. Criteria: Invitae Variant Classification Sherloc (09022015). Collection method: clinical testing. Allele origin: germline.

Breakthrough Genomics
Classification: Benign. Review status: criteria provided, single submitter. Criteria: ACMG Guidelines, 2015. Collection method: not provided. Allele origin: germline. Inheritance: Unknown mechanism. Affected: yes.

PreventionGenetics, part of Exact Sciences
Classification: Benign for PTPRT-related condition. Last evaluated: 2019-02-21. Review status: no assertion criteria provided. Collection method: clinical testing. Allele origin: germline. Not counted in ClinVar's aggregate classification.
Comment: This variant is classified as benign based on ACMG/AMP sequence variant interpretation guidelines (Richards et al. 2015 PMID: 25741868, with internal and published modifications).

NM_007050.6(PTPRT):c.1305C>T (p.Tyr435=)

Gene: PTPRT (protein tyrosine phosphatase receptor type T; minus strand). Cytogenetic location: 20q12.
Variant type: single nucleotide variant.
Coding change: c.1305C>T on transcript NM_007050.6 (MANE Select); coding-DNA position 1305, C replaced by T.
Protein change: p.Tyr435=; no amino-acid change (tyrosine 435 retained).
Molecular consequence: synonymous variant.
Genome position (GRCh38, 1-based): chr20:42,472,411, G>A on the plus strand (C>T on the coding strand, the complement: PTPRT is on the minus strand). VCF-style: chr20-42472411-G-A. GRCh37 (hg19) VCF-style: chr20-41101051-G-A.
Other names: c.1305C>T, p.Tyr435= (NM_133170.4).
Identifiers: ClinVar variation 782061 (VCV000782061.6), dbSNP rs41279252, ClinGen allele CA9864608.